The following is an entry in ClinVar:

ClinVar aggregate classification (germline): Uncertain significance (1 of 4 stars; one submission).

Conditions:
Deficiency of malonyl-CoA decarboxylase. Also called: Malonic aciduria; MCD deficiency. Identifiers: Orphanet 943, MedGen C0342793, MONDO:0009556, OMIM 248360.

Allele frequency attached by ClinVar (database versions not stated): TOPMed 0.00001.

Submission:

Labcorp Genetics (formerly Invitae), Labcorp
Classification: Uncertain significance for Deficiency of malonyl-CoA decarboxylase. Last evaluated: 2024-11-18. Review status: criteria provided, single submitter. Criteria: Invitae Variant Classification Sherloc (09022015). Collection method: clinical testing. Allele origin: germline.
Comment: This sequence change replaces leucine, which is neutral and non-polar, with valine, which is neutral and non-polar, at codon 338 of the MLYCD protein (p.Leu338Val). This variant is not present in population databases (gnomAD no frequency). This variant has not been reported in the literature in individuals affected with MLYCD-related conditions. ClinVar contains an entry for this variant (Variation ID: 1465881). Invitae Evidence Modeling of protein sequence and biophysical properties (such as structural, functional, and spatial information, amino acid conservation, physicochemical variation, residue mobility, and thermodynamic stability) indicates that this missense variant is expected to disrupt MLYCD protein function with a positive predictive value of 95%. In summary, the available evidence is currently insufficient to determine the role of this variant in disease. Therefore, it has been classified as a Variant of Uncertain Significance.

NM_012213.3(MLYCD):c.1012C>G (p.Leu338Val)

Gene: MLYCD (malonyl-CoA decarboxylase; plus strand). Cytogenetic location: 16q23.3.
Variant type: single nucleotide variant.
Coding change: c.1012C>G on transcript NM_012213.3 (MANE Select); coding-DNA position 1012, C replaced by G.
Protein change: p.Leu338Val; replaces leucine 338 with valine.
Molecular consequence: missense variant.
Genome position (GRCh38, 1-based): chr16:83,915,019, C>G. VCF-style: chr16-83915019-C-G. GRCh37 (hg19) VCF-style: chr16-83948624-C-G.
Other names: short protein forms L338V.
Identifiers: ClinVar variation 1465881 (VCV001465881.6), dbSNP rs1211916115, ClinGen allele CA396919856.